The following is an entry in ClinVar:

ClinVar aggregate classification (germline): Pathogenic (1 of 4 stars; one submission).

Submission:

Labcorp Genetics (formerly Invitae), Labcorp
Classification: Pathogenic. Last evaluated: 2022-04-09. Review status: criteria provided, single submitter. Criteria: Invitae Variant Classification Sherloc (09022015). Collection method: clinical testing. Allele origin: germline.
Comment: For these reasons, this variant has been classified as Pathogenic. This variant disrupts a region of the RS1 protein in which other variant(s) (p.Cys223Tyr) have been determined to be pathogenic (PMID: 20061330, 22245991; Invitae). This suggests that this is a clinically significant region of the protein, and that variants that disrupt it are likely to be disease-causing. This variant has not been reported in the literature in individuals affected with RS1-related conditions. Information on the frequency of this variant in the gnomAD database is not available, as this variant may be reported differently in the database. This sequence change creates a premature translational stop signal (p.Cys219*) in the RS1 gene. While this is not anticipated to result in nonsense mediated decay, it is expected to disrupt the last 6 amino acid(s) of the RS1 protein.

Literature cited by the submitters: PubMed 20061330; PubMed 22245991.

NM_000330.4(RS1):c.656_657delinsAG (p.Cys219Ter)

Genes: CDKL5 (cyclin dependent kinase like 5; plus strand), RS1 (retinoschisin 1; minus strand). Cytogenetic location: Xp22.13.
Variant type: Indel.
Coding change: c.656_657delinsAG on transcript NM_000330.4 (MANE Select); coding-DNA positions 656 to 657, GC replaced by AG.
Protein change: p.Cys219Ter; replaces cysteine 219 with a stop codon.
Molecular consequence: nonsense. On other transcripts: intron variant (2).
Genome position (GRCh38, 1-based): chrX:18,642,022-18,642,023, GC replaced by CT on the plus strand (GC replaced by AG on the coding strand, the reverse complement: RS1 is on the minus strand). VCF-style: chrX-18642022-GC-CT. GRCh37 (hg19) VCF-style: chrX-18660142-GC-CT.
Other names: c.2714-3985_2714-3984delinsCT (NM_003159.3, NM_001037343.2); short protein forms C219*.
Identifiers: ClinVar variation 2123578 (VCV002123578.4), dbSNP rs2518916282, ClinGen allele CA2580100386.